The following is an entry in ClinVar:

ClinVar aggregate classification (germline): Uncertain significance. Review status: criteria provided, single submitter (1 of 4 stars). 2 submissions from 2 submitters: Uncertain significance (1). 1 of the submissions does not count toward it. Last evaluated 2021-10-01.

Conditions:
Fumarase deficiency (FMRD). Also called: Fumaric aciduria; Fumarate Hydratase Deficiency. Identifiers: Orphanet 24, MedGen C0342770, MONDO:0011730, OMIM 606812.

Allele frequency attached by ClinVar (database versions not stated): gnomAD exomes below 0.00001.
gnomAD v4.1: 3 of 1,611,828 alleles (0.00019%); highest among the groups gnomAD compares: Non-Finnish European, 0.00017%; no homozygotes.

Submissions (2):

Labcorp Genetics (formerly Invitae), Labcorp
Classification: Uncertain significance. Last evaluated: 2021-10-01. Review status: criteria provided, single submitter. Criteria: Invitae Variant Classification Sherloc (09022015). Collection method: clinical testing. Allele origin: germline.
Comment: This sequence change replaces glycine with arginine at codon 424 of the FH protein (p.Gly424Arg). The glycine residue is highly conserved and there is a moderate physicochemical difference between glycine and arginine. In summary, the available evidence is currently insufficient to determine the role of this variant in disease. Therefore, it has been classified as a Variant of Uncertain Significance. Algorithms developed to predict the effect of missense changes on protein structure and function are either unavailable or do not agree on the potential impact of this missense change (SIFT: "Deleterious"; PolyPhen-2: "Possibly Damaging"; Align-GVGD: "Class C15"). This variant has not been reported in the literature in individuals affected with FH-related conditions. This variant is not present in population databases (ExAC no frequency).

Natera, Inc.
Classification: Uncertain significance for Fumarase deficiency. Last evaluated: 2020-09-16. Review status: no assertion criteria provided. Collection method: clinical testing. Allele origin: germline. Not counted in ClinVar's aggregate classification.

NM_000143.4(FH):c.1270G>A (p.Gly424Arg)

Gene: FH (fumarate hydratase; minus strand). Cytogenetic location: 1q43.
Variant type: single nucleotide variant.
Coding change: c.1270G>A on transcript NM_000143.4 (MANE Select); coding-DNA position 1270, G replaced by A.
Protein change: p.Gly424Arg; replaces glycine 424 with arginine.
Molecular consequence: missense variant.
Genome position (GRCh38, 1-based): chr1:241,500,557, C>T on the plus strand (G>A on the coding strand, the complement: FH is on the minus strand). VCF-style: chr1-241500557-C-T. GRCh37 (hg19) VCF-style: chr1-241663857-C-T.
Other names: short protein forms G424R.
Identifiers: ClinVar variation 529811 (VCV000529811.8), dbSNP rs1553340705, ClinGen allele CA345436828.